The following is an entry in ClinVar:

NM_000455.5(STK11):c.583del (p.Leu195fs)

Gene: STK11 (serine/threonine kinase 11; plus strand). Cytogenetic location: 19p13.3.
Variant type: Deletion.
Coding change: c.583del on transcript NM_000455.5 (MANE Select); coding-DNA position 583, one base deleted (C; older notation c.583delC).
Protein change: p.Leu195fs; shifts the reading frame from leucine 195.
Molecular consequence: frameshift variant.
Genome position (GRCh38, 1-based): chr19:1,220,491, C deleted; the last of 2 consecutive C bases (chr19:1,220,490-1,220,491); deleting either gives the same sequence. VCF-style (leftmost placement, unchanged base first): chr19-1220489-AC-A. GRCh37 (hg19) VCF-style: chr19-1220488-AC-A.
Other names: short protein forms L195fs.
Identifiers: ClinVar variation 1376969 (VCV001376969.6), dbSNP rs2145424635, ClinGen allele CA2573155763.

ClinVar aggregate classification (germline): Pathogenic (1 of 4 stars; one submission).

Conditions:
Peutz-Jeghers syndrome (PJS). Also called: POLYPOSIS, HAMARTOMATOUS INTESTINAL; POLYPS-AND-SPOTS SYNDROME; Peutz-Jeghers polyposis; Periorificial lentiginosis syndrome. Identifiers: Orphanet 2869, MedGen C0031269, MeSH D010580, MONDO:0008280, OMIM 175200.

Submission:

Labcorp Genetics (formerly Invitae), Labcorp
Classification: Pathogenic for Peutz-Jeghers syndrome. Last evaluated: 2020-12-25. Review status: criteria provided, single submitter. Criteria: Invitae Variant Classification Sherloc (09022015). Collection method: clinical testing. Allele origin: germline.
Comment: For these reasons, this variant has been classified as Pathogenic. This variant has not been reported in the literature in individuals with STK11-related conditions. This variant is not present in population databases (ExAC no frequency). This sequence change creates a premature translational stop signal (p.Leu195Trpfs*92) in the STK11 gene. It is expected to result in an absent or disrupted protein product. Loss-of-function variants in STK11 are known to be pathogenic (PMID: 15188174, 16287113).

Literature cited by the submitters: PubMed 15188174; PubMed 16287113.